The following is an entry in ClinVar:

NM_001130438.3(SPTAN1):c.7284C>T (p.Tyr2428=)

Gene: SPTAN1 (spectrin alpha, non-erythrocytic 1; plus strand). Cytogenetic location: 9q34.11.
Variant type: single nucleotide variant.
Coding change: c.7284C>T on transcript NM_001130438.3 (MANE Select); coding-DNA position 7284, C replaced by T.
Protein change: p.Tyr2428=; no amino-acid change (tyrosine 2428 retained).
Molecular consequence: synonymous variant.
Genome position (GRCh38, 1-based): chr9:128,632,931, C>T. VCF-style: chr9-128632931-C-T. GRCh37 (hg19) VCF-style: chr9-131395210-C-T.
Other names: p.Y2428Y:TAC>TAT; c.7209C>T, p.Tyr2403= (NM_001195532.2); c.7347C>T, p.Tyr2449= (NM_001363759.2); c.7224C>T, p.Tyr2408= (NM_001363765.2); c.7269C>T, p.Tyr2423= (NM_003127.4).
Identifiers: ClinVar variation 207307 (VCV000207307.22), dbSNP rs201348505, ClinGen allele CA318649.

ClinVar aggregate classification (germline): Benign/Likely benign. Review status: criteria provided, multiple submitters, no conflicts (2 of 4 stars). 6 submissions from 6 submitters: Benign (2); Likely benign (3). 1 of the submissions does not count toward it. Last evaluated 2025-09-21.

Conditions:
Early-infantile DEE. Also called: Ohtahara syndrome; Early infantile epileptic encephalopathy; Early infantile epileptic encephalopathy with suppression bursts. Identifiers: Orphanet 1934, MedGen C0393706, MONDO:0800491.
Inborn genetic diseases. Identifiers: MedGen C0950123, MeSH D030342.
SPTAN1-related disorder. Also called: SPTAN1-related condition; SPTAN1-related disorders.
Developmental and epileptic encephalopathy, 5 (DEE5). Identifiers: Orphanet 3451, MedGen C3150731, MONDO:0013277, OMIM 613477.

Allele frequency attached by ClinVar (database versions not stated): 1000 Genomes Project 0.00020; ExAC 0.00022; gnomAD 0.00005 and 0.00006; TOPMed 0.00006; ESP Exome Variant Server 0.00008; gnomAD exomes 0.00009 and 0.00018; 1000 Genomes Project 30x 0.00016.
gnomAD v4.1: 155 of 1,613,152 alleles (0.0096%); highest among the groups gnomAD compares: Admixed American, 0.0083%; no homozygotes.

Submissions (6):

Labcorp Genetics (formerly Invitae), Labcorp
Classification: Likely benign for Early-infantile DEE. Last evaluated: 2025-09-21. Review status: criteria provided, single submitter. Criteria: Invitae Variant Classification Sherloc (09022015). Collection method: clinical testing. Allele origin: germline.

Blueprint Genetics
Classification: Likely benign. Last evaluated: 2023-08-02. Review status: criteria provided, single submitter. Criteria: ACMG Guidelines, 2015. Collection method: clinical testing. Allele origin: germline.

Genome-Nilou Lab
Classification: Benign for Developmental and epileptic encephalopathy, 5. Last evaluated: 2021-07-15. Review status: criteria provided, single submitter. Criteria: ACMG Guidelines, 2015. Collection method: clinical testing. Allele origin: germline. Affected: no.

Ambry Genetics
Classification: Likely benign for Inborn genetic diseases. Last evaluated: 2017-05-31. Review status: criteria provided, single submitter. Criteria: Ambry Variant Classification Scheme 2023. Collection method: clinical testing. Allele origin: germline.

GeneDx
Classification: Benign. Last evaluated: 2014-12-17. Review status: criteria provided, single submitter. Criteria: GeneDx Variant Classification (06012015). Collection method: clinical testing. Allele origin: germline. Affected: yes.
Comment: This variant is considered likely benign or benign based on one or more of the following criteria: it is a conservative change, it occurs at a poorly conserved position in the protein, it is predicted to be benign by multiple in silico algorithms, and/or has population frequency not consistent with disease.

PreventionGenetics, part of Exact Sciences
Classification: Likely benign for SPTAN1-related condition. Last evaluated: 2021-12-21. Review status: no assertion criteria provided. Collection method: clinical testing. Allele origin: germline. Not counted in ClinVar's aggregate classification.
Comment: This variant is classified as likely benign based on ACMG/AMP sequence variant interpretation guidelines (Richards et al. 2015 PMID: 25741868, with internal and published modifications).